The following is an entry in ClinVar:

ClinVar aggregate classification (germline): Uncertain significance (1 of 4 stars; one submission).

Conditions:
Severe combined immunodeficiency due to DNA-PKcs deficiency. Also called: IMMUNODEFICIENCY 26 WITH NEUROLOGIC ABNORMALITIES; Immunodeficiency 26 with or without neurologic abnormalities. Identifiers: Orphanet 317425, MedGen C4014833, MONDO:0014423, OMIM 615966.

Allele frequency attached by ClinVar (database versions not stated): gnomAD below 0.00001 and 0.00007; TOPMed 0.00001; ExAC 0.00018.
gnomAD v4.1: 102 of 1,582,948 alleles (0.0064%); highest among the groups gnomAD compares: South Asian, 0.11%; no homozygotes.

Submission:

Labcorp Genetics (formerly Invitae), Labcorp
Classification: Uncertain significance for Severe combined immunodeficiency due to DNA-PKcs deficiency. Last evaluated: 2024-11-24. Review status: criteria provided, single submitter. Criteria: Invitae Variant Classification Sherloc (09022015). Collection method: clinical testing. Allele origin: germline.
Comment: This sequence change replaces glutamine, which is neutral and polar, with histidine, which is basic and polar, at codon 1457 of the PRKDC protein (p.Gln1457His). This variant is present in population databases (rs761154232, gnomAD 0.1%). This variant has not been reported in the literature in individuals affected with PRKDC-related conditions. ClinVar contains an entry for this variant (Variation ID: 947665). Invitae Evidence Modeling of protein sequence and biophysical properties (such as structural, functional, and spatial information, amino acid conservation, physicochemical variation, residue mobility, and thermodynamic stability) indicates that this missense variant is expected to disrupt PRKDC protein function with a positive predictive value of 80%. In summary, the available evidence is currently insufficient to determine the role of this variant in disease. Therefore, it has been classified as a Variant of Uncertain Significance.

NM_006904.7(PRKDC):c.4371G>T (p.Gln1457His)

Gene: PRKDC (protein kinase, DNA-activated, catalytic subunit; minus strand). Cytogenetic location: 8q11.21.
Variant type: single nucleotide variant.
Coding change: c.4371G>T on transcript NM_006904.7 (MANE Select); coding-DNA position 4371, G replaced by T.
Protein change: p.Gln1457His; replaces glutamine 1457 with histidine.
Molecular consequence: missense variant.
Genome position (GRCh38, 1-based): chr8:47,888,560, C>A on the plus strand (G>T on the coding strand, the complement: PRKDC is on the minus strand). VCF-style: chr8-47888560-C-A. GRCh37 (hg19) VCF-style: chr8-48801121-C-A.
Other names: c.4371G>T, p.Gln1457His (NM_001081640.2); short protein forms Q1457H.
Identifiers: ClinVar variation 947665 (VCV000947665.5), dbSNP rs761154232, ClinGen allele CA4740922.
Genomic context (GRCh38, chr8:47,888,560, plus strand): 5'-ACAATAAGTTATAGTTACCTGAGACGGTAATATATTATGCAGAAGCCCAGCTCTGTGAAG[C>A]TGTTTACAGGCAGACACAACAGCAGCCAGCCTGCTCCTGTCCACTTGCGCGTCAGGGCCA-3'
Protein context (NP_008835.5, residues 1447-1467): RLAAVVSACK[Gln1457His]LHRAGLLHNI